The following is an entry in ClinVar:

NM_004990.4(MARS1):c.97del (p.Thr32_Val33insTer)

Genes: ARHGAP9 (Rho GTPase activating protein 9; minus strand), MARS1 (methionyl-tRNA synthetase 1; plus strand). Cytogenetic location: 12q13.3.
Variant type: Deletion.
Coding change: c.97del on transcript NM_004990.4 (MANE Select); coding-DNA position 97, one base deleted (G; older notation c.97delG).
Protein change: p.Thr32_Val33insTer.
Molecular consequence: nonsense. On other transcripts: intron variant (1).
Genome position (GRCh38, 1-based): chr12:57,488,187, G deleted. VCF-style (leftmost placement, unchanged base first): chr12-57488186-TG-T. GRCh37 (hg19) VCF-style: chr12-57881969-TG-T.
Other names: c.-204+425del (NM_001319850.2).
Identifiers: ClinVar variation 933333 (VCV000933333.9), dbSNP rs773474721, ClinGen allele CA6650019.

ClinVar aggregate classification (germline): Uncertain significance (1 of 4 stars; one submission).

Conditions:
Charcot-Marie-Tooth disease axonal type 2U. Also called: CHARCOT-MARIE-TOOTH NEUROPATHY, TYPE 2U; CHARCOT-MARIE-TOOTH DISEASE, AXONAL, AUTOSOMAL DOMINANT, TYPE 2U. Identifiers: Orphanet 397735, MedGen C4084821, MONDO:0014566, OMIM 616280.
Severe early-onset pulmonary alveolar proteinosis due to MARS deficiency. Also called: PULMONARY ALVEOLAR PROTEINOSIS, REUNION ISLAND; Interstitial lung and liver disease. Identifiers: Orphanet 440427, MedGen C4225400, MONDO:0014206, OMIM 615486.

Allele frequency attached by ClinVar (database versions not stated): gnomAD exomes 0.00001 and below 0.00001; TOPMed below 0.00001; ExAC 0.00001.

Submission:

Labcorp Genetics (formerly Invitae), Labcorp
Classification: Uncertain significance for Charcot-Marie-Tooth disease axonal type 2U; Severe early-onset pulmonary alveolar proteinosis due to MARS deficiency. Last evaluated: 2025-01-15. Review status: criteria provided, single submitter. Criteria: Invitae Variant Classification Sherloc (09022015). Collection method: clinical testing. Allele origin: germline.
Comment: This sequence change creates a premature translational stop signal (p.Val33*) in the MARS gene. It is expected to result in an absent or disrupted protein product. However, the current clinical and genetic evidence is not sufficient to establish whether loss-of-function variants in MARS cause disease. This variant is present in population databases (rs773474721, gnomAD 0.006%). This variant has not been reported in the literature in individuals affected with MARS-related conditions. ClinVar contains an entry for this variant (Variation ID: 933333). In summary, the available evidence is currently insufficient to determine the role of this variant in disease. Therefore, it has been classified as a Variant of Uncertain Significance.